The following is an entry in ClinVar:

NM_002485.5(NBN):c.745G>A (p.Ala249Thr)

Gene: NBN (nibrin; minus strand). Cytogenetic location: 8q21.3.
Variant type: single nucleotide variant.
Coding change: c.745G>A on transcript NM_002485.5 (MANE Select); coding-DNA position 745, G replaced by A.
Protein change: p.Ala249Thr; replaces alanine 249 with threonine.
Molecular consequence: missense variant.
Genome position (GRCh38, 1-based): chr8:89,970,515, C>T on the plus strand (G>A on the coding strand, the complement: NBN is on the minus strand). VCF-style: chr8-89970515-C-T. GRCh37 (hg19) VCF-style: chr8-90982743-C-T.
Other names: c.499G>A, p.Ala167Thr (NM_001024688.3); short protein forms A167T, A249T.
Identifiers: ClinVar variation 1313121 (VCV001313121.2), dbSNP rs2129830740, ClinGen allele CA371658797.

ClinVar aggregate classification (germline): Uncertain significance (1 of 4 stars; one submission).

Submission:

GeneDx
Classification: Uncertain significance. Last evaluated: 2020-07-14. Review status: criteria provided, single submitter. Criteria: GeneDx Variant Classification Process June 2021. Collection method: clinical testing. Allele origin: germline. Affected: yes.
Comment: Not observed in large population cohorts (Lek et al., 2016); In silico analysis supports that this missense variant does not alter protein structure/function; Has not been previously published as pathogenic or benign to our knowledge